The following is an entry in ClinVar:

ClinVar aggregate classification (germline): Likely benign. Review status: criteria provided, multiple submitters, no conflicts (2 of 4 stars). 5 submissions from 5 submitters: Likely benign (5). Last evaluated 2026-01-02.

Conditions:
Inborn genetic diseases. Identifiers: MedGen C0950123, MeSH D030342.
Wilson disease (WND). Also called: Wilson's disease. Identifiers: Orphanet 905, MedGen C0019202, MONDO:0010200, OMIM 277900. Disease mechanism: loss of function.

Allele frequency attached by ClinVar (database versions not stated): ExAC 0.00019; TOPMed 0.00008; gnomAD 0.00010; 1000 Genomes Project 30x 0.00016; gnomAD exomes 0.00006; 1000 Genomes Project 0.00020; ESP Exome Variant Server 0.00024.
gnomAD v4.1: 37 of 1,583,758 alleles (0.0023%); highest among the groups gnomAD compares: African/African-American, 0.032%; no homozygotes.

Submissions (5):

Labcorp Genetics (formerly Invitae), Labcorp
Classification: Likely benign for Wilson disease. Last evaluated: 2026-01-02. Review status: criteria provided, single submitter. Criteria: Invitae Variant Classification Sherloc (09022015). Collection method: clinical testing. Allele origin: germline.

All of Us Research Program, National Institutes of Health
Classification: Likely benign for Wilson disease. Last evaluated: 2024-08-06. Review status: criteria provided, single submitter. Criteria: ACMG Guidelines, 2015. Collection method: clinical testing. Allele origin: germline. Inheritance: Autosomal recessive inheritance. Observed: 13 variant alleles, 13 heterozygotes.
Comment: This study involves interpretation of variants in research participants for the purpose of population health screening. Participant phenotype was not available at the time of variant classification. Additional details can be found in publication PMID: 35346344, PMCID: PMC8962531

Ambry Genetics
Classification: Likely benign for Inborn genetic diseases. Last evaluated: 2024-01-22. Review status: criteria provided, single submitter. Criteria: Ambry Variant Classification Scheme 2023. Collection method: clinical testing. Allele origin: germline.

Color Diagnostics, LLC DBA Color Health
Classification: Likely benign for Wilson disease. Last evaluated: 2022-04-28. Review status: criteria provided, single submitter. Criteria: ACMG Guidelines, 2015. Collection method: clinical testing. Allele origin: germline.

Women's Health and Genetics/Laboratory Corporation of America, LabCorp
Classification: Likely benign for Wilson Disease. Last evaluated: 2011-08-18. Review status: criteria provided, single submitter. Criteria: LabCorp Variant Classification Summary - May 2015. Collection method: curation, clinical testing. Allele origin: germline. Inheritance: autosomal unknown. Affected: yes.
ClinVar note: Converted during submission from likely benign to Likely benign.

NM_000053.4(ATP7B):c.3054G>A (p.Ala1018=)

Gene: ATP7B (ATPase copper transporting beta; minus strand). Cytogenetic location: 13q14.3.
Variant type: single nucleotide variant.
Coding change: c.3054G>A on transcript NM_000053.4 (MANE Select); coding-DNA position 3054, G replaced by A.
Protein change: p.Ala1018=; no amino-acid change (alanine 1018 retained).
Molecular consequence: synonymous variant.
Genome position (GRCh38, 1-based): chr13:51,946,290, C>T on the plus strand (G>A on the coding strand, the complement: ATP7B is on the minus strand). VCF-style: chr13-51946290-C-T. GRCh37 (hg19) VCF-style: chr13-52520426-C-T.
Other names: c.2433G>A, p.Ala811= (NM_001005918.3); c.2721G>A, p.Ala907= (NM_001243182.2); c.2820G>A, p.Ala940= (NM_001330578.2); c.2802G>A, p.Ala934= (NM_001330579.2).
Identifiers: ClinVar variation 35717 (VCV000035717.18), dbSNP rs193922105, ClinGen allele CA260136.
Genomic context (GRCh38, chr13:51,946,290, plus strand): 5'-AAACAGATACTACTTTCATCTCTCAGGATGGGGAAAGCCGTGCTACAGGCTGACCTTGTG[C>T]GCCATCTCCAGGGGCTTGCCTCCCTTGATGAGGATGCCGTTCTGCGCGGCCACCCCGGTG-3'
Protein context (NP_000044.2, residues 1008-1028): LIKGGKPLEM[Ala1018=]HKIKTVMFDK